The following is an entry in ClinVar:

NM_152703.5(SAMD9L):c.4430A>C (p.Tyr1477Ser)

Gene: SAMD9L (sterile alpha motif domain containing 9 like; minus strand). Cytogenetic location: 7q21.2.
Variant type: single nucleotide variant.
Coding change: c.4430A>C on transcript NM_152703.5 (MANE Select); coding-DNA position 4430, A replaced by C.
Protein change: p.Tyr1477Ser; replaces tyrosine 1477 with serine.
Molecular consequence: missense variant.
Genome position (GRCh38, 1-based): chr7:93,131,542, T>G on the plus strand (A>C on the coding strand, the complement: SAMD9L is on the minus strand). VCF-style: chr7-93131542-T-G. GRCh37 (hg19) VCF-style: chr7-92760855-T-G.
Other names: c.4430A>C, p.Tyr1477Ser (NM_001303496.3, NM_001303497.3, NM_001303498.3 and 5 more transcripts); c.4430A>C (NM_152703.3, NM_152703.2); short protein forms Y1477S.
Identifiers: ClinVar variation 1494688 (VCV001494688.10), dbSNP rs1210783977, ClinGen allele CA368173688.
Genomic context (GRCh38, chr7:93,131,542, plus strand): 5'-AAGTACTGCTCTATTTTGGCCTTGTGAACAATACTGTTTAGACCCTTCCTTTTGCCCAGA[T>G]AGAAAAGTGTGCTTGCCTGCTTGGACCTGCACATGCGCTTGTACTGTCCCCTGAAGGATC-3'
Protein context (NP_689916.2, residues 1467-1487): CRSKQASTLF[Tyr1477Ser]LGKRKGLNSI

ClinVar aggregate classification (germline): Uncertain significance. Review status: criteria provided, multiple submitters, no conflicts (2 of 4 stars). 3 submissions from 3 submitters: Uncertain significance (3). Last evaluated 2024-12-16.

Conditions:
SAMD9L-related disorder. Also called: SAMD9L-related disorders; SAMD9L-related condition.
Inborn genetic diseases. Identifiers: MedGen C0950123, MeSH D030342.

Allele frequency attached by ClinVar (database versions not stated): gnomAD exomes 0.00001; gnomAD 0.00002; TOPMed 0.00002.
gnomAD v4.1: 6 of 1,613,894 alleles (0.00037%); highest among the groups gnomAD compares: African/African-American, 0.004%; no homozygotes.

Submissions (3):

Ambry Genetics
Classification: Uncertain significance for Inborn genetic diseases. Last evaluated: 2024-12-16. Review status: criteria provided, single submitter. Criteria: Ambry Variant Classification Scheme 2023. Collection method: clinical testing. Allele origin: germline.
Comment: The p.Y1477S variant (also known as c.4430A>C), located in coding exon 1 of the SAMD9L gene, results from an A to C substitution at nucleotide position 4430. The tyrosine at codon 1477 is replaced by serine, an amino acid with dissimilar properties. This amino acid position is conserved. In addition, this alteration is predicted to be tolerated by in silico analysis. Based on the available evidence, the clinical significance of this variant remains unclear.

Labcorp Genetics (formerly Invitae), Labcorp
Classification: Uncertain significance. Last evaluated: 2023-12-06. Review status: criteria provided, single submitter. Criteria: Invitae Variant Classification Sherloc (09022015). Collection method: clinical testing. Allele origin: germline.
Comment: This sequence change replaces tyrosine, which is neutral and polar, with serine, which is neutral and polar, at codon 1477 of the SAMD9L protein (p.Tyr1477Ser). This variant is present in population databases (no rsID available, gnomAD 0.008%). This variant has not been reported in the literature in individuals affected with SAMD9L-related conditions. ClinVar contains an entry for this variant (Variation ID: 1494688). Advanced modeling of protein sequence and biophysical properties (such as structural, functional, and spatial information, amino acid conservation, physicochemical variation, residue mobility, and thermodynamic stability) performed at Invitae indicates that this missense variant is expected to disrupt SAMD9L protein function with a positive predictive value of 80%. In summary, the available evidence is currently insufficient to determine the role of this variant in disease. Therefore, it has been classified as a Variant of Uncertain Significance.

PreventionGenetics, part of Exact Sciences
Classification: Uncertain significance for SAMD9L-related condition. Last evaluated: 2022-10-05. Review status: criteria provided, single submitter. Criteria: ACMG Guidelines, 2015. Collection method: clinical testing. Allele origin: germline.
Comment: The SAMD9L c.4430A>C variant is predicted to result in the amino acid substitution p.Tyr1477Ser. To our knowledge, this variant has not been reported in the literature. This variant is reported in 0.0080% of alleles in individuals of African descent in gnomAD. At this time, the clinical significance of this variant is uncertain due to the absence of conclusive functional and genetic evidence.